The following is an entry in ClinVar:

ClinVar aggregate classification (germline): Uncertain significance. Review status: criteria provided, multiple submitters, no conflicts (2 of 4 stars). 2 submissions from 2 submitters: Uncertain significance (2). Last evaluated 2025-11-11.

Conditions:
Inborn genetic diseases. Identifiers: MedGen C0950123, MeSH D030342.

gnomAD v4.1: 2 of 1,613,854 alleles (0.00012%); highest among the groups gnomAD compares: Admixed American, 0.0033%; no homozygotes.

Submissions (2):

Ambry Genetics
Classification: Uncertain significance for Inborn genetic diseases. Last evaluated: 2025-11-11. Review status: criteria provided, single submitter. Criteria: Ambry Variant Classification Scheme 2023. Collection method: clinical testing. Allele origin: germline.

GeneDx
Classification: Uncertain significance. Last evaluated: 2023-08-04. Review status: criteria provided, single submitter. Criteria: GeneDx Variant Classification Process June 2021. Collection method: clinical testing. Allele origin: germline. Affected: yes.
Comment: Not observed at significant frequency in large population cohorts (gnomAD); In silico analysis supports that this missense variant has a deleterious effect on protein structure/function; Has not been previously published as pathogenic or benign to our knowledge

NM_152393.4(KLHL40):c.1403G>A (p.Gly468Asp)

Gene: KLHL40 (kelch like family member 40; plus strand). Cytogenetic location: 3p22.1.
Variant type: single nucleotide variant.
Coding change: c.1403G>A on transcript NM_152393.4 (MANE Select); coding-DNA position 1403, G replaced by A.
Protein change: p.Gly468Asp; replaces glycine 468 with aspartic acid.
Molecular consequence: missense variant.
Genome position (GRCh38, 1-based): chr3:42,688,699, G>A. VCF-style: chr3-42688699-G-A. GRCh37 (hg19) VCF-style: chr3-42730191-G-A.
Other names: c.1403G>A (NM_152393.2); short protein forms G468D.
Identifiers: ClinVar variation 3361711 (VCV003361711.2).